The following is an entry in ClinVar:

ClinVar aggregate classification (germline): Likely benign (0 of 4 stars; one submission).

Conditions:
PTPRF-related disorder. Also called: PTPRF-related condition.

Allele frequency attached by ClinVar (database versions not stated): 1000 Genomes Project 30x 0.00016; ExAC 0.00202.
gnomAD v4.1: 2,302 of 1,365,824 alleles (0.17%); highest among the groups gnomAD compares: Non-Finnish European, 0.19%; 4 homozygotes.

Submission:

PreventionGenetics, part of Exact Sciences
Classification: Likely benign for PTPRF-related condition. Last evaluated: 2019-06-17. Review status: no assertion criteria provided. Collection method: clinical testing. Allele origin: germline.
Comment: This variant is classified as likely benign based on ACMG/AMP sequence variant interpretation guidelines (Richards et al. 2015 PMID: 25741868, with internal and published modifications).

NM_002840.5(PTPRF):c.3974-829C>T

Gene: PTPRF (protein tyrosine phosphatase receptor type F; plus strand). Cytogenetic location: 1p34.2.
Variant type: single nucleotide variant.
Coding change: c.3974-829C>T on transcript NM_002840.5 (MANE Select); 829 bases into the intron before coding-DNA position 3974, C replaced by T.
Molecular consequence: intron variant. On other transcripts: missense variant (3).
Genome position (GRCh38, 1-based): chr1:43,612,789, C>T. VCF-style: chr1-43612789-C-T. GRCh37 (hg19) VCF-style: chr1-44078460-C-T.
Other names: c.3128C>T, p.Pro1043Leu (NM_001329137.2); c.3152C>T, p.Pro1051Leu (NM_001329138.2); c.3110C>T, p.Pro1037Leu (NM_001329139.2); c.3947-829C>T (NM_130440.4); c.3062-829C>T (NM_001329140.2); short protein forms P1037L, P1043L, P1051L.
Identifiers: ClinVar variation 3033132 (VCV003033132.2), dbSNP rs199963215, ClinGen allele CA813038.